The following is an entry in ClinVar:

NM_006267.5(RANBP2):c.4514C>T (p.Pro1505Leu)

Gene: RANBP2 (RAN binding protein 2; plus strand). Cytogenetic location: 2q13.
Variant type: single nucleotide variant.
Coding change: c.4514C>T on transcript NM_006267.5 (MANE Select); coding-DNA position 4514, C replaced by T.
Protein change: p.Pro1505Leu; replaces proline 1505 with leucine.
Molecular consequence: missense variant.
Genome position (GRCh38, 1-based): chr2:108,765,053, C>T. VCF-style: chr2-108765053-C-T. GRCh37 (hg19) VCF-style: chr2-109381509-C-T.
Other names: short protein forms P1505L.
Identifiers: ClinVar variation 660110 (VCV000660110.11), dbSNP rs773526624, ClinGen allele CA1823126.
Genomic context (GRCh38, chr2:108,765,053, plus strand): 5'-GCAGTGCATGTTTGGTACAAAATGAGGGGAGCTCTACAAAATGTGCTGCTTGTCAGAATC[C>T]GAGAAAACAGAGTCTACCTGCTACTTCTATTCCAACACCTGCCTCTTTTAAGTTTGGTAC-3'
Protein context (NP_006258.3, residues 1495-1515): SSTKCAACQN[Pro1505Leu]RKQSLPATSI

ClinVar aggregate classification (germline): Uncertain significance. Review status: criteria provided, multiple submitters, no conflicts (2 of 4 stars). 3 submissions from 3 submitters: Uncertain significance (3). Last evaluated 2026-06-08.

Conditions:
RANBP2-related disorder. Also called: RANBP2-related condition.
Familial acute necrotizing encephalopathy (IIAE3). Also called: Susceptibility to Acute Necrotizing Encephalopathy 1; ENCEPHALOPATHY, ACUTE, INFECTION-INDUCED, SUSCEPTIBILITY TO, 3. Identifiers: Orphanet 88619, MedGen C2675556, MONDO:0011953, OMIM 608033.

Allele frequency attached by ClinVar (database versions not stated): TOPMed 0.00001; gnomAD exomes 0.00003 and 0.00004; ExAC 0.00005.
gnomAD v4.1: 50 of 1,613,716 alleles (0.0031%); highest among the groups gnomAD compares: South Asian, 0.034%; no homozygotes.

Submissions (3):

PreventionGenetics, part of Exact Sciences
Classification: Uncertain significance for RANBP2-related condition. Last evaluated: 2026-06-08. Review status: criteria provided, single submitter. Criteria: ACMG Guidelines, 2015. Collection method: clinical testing. Allele origin: germline.
Comment: The RANBP2 c.4514C>T variant is predicted to result in the amino acid substitution p.Pro1505Leu. To our knowledge, this variant has not been reported in the literature. This variant is reported in 0.026% of alleles in individuals of South Asian descent in gnomAD. At this time, the clinical significance of this variant is uncertain due to the absence of conclusive functional and genetic evidence.

Ambry Genetics
Classification: Uncertain significance. Last evaluated: 2024-04-17. Review status: criteria provided, single submitter. Criteria: Ambry Variant Classification Scheme 2023. Collection method: clinical testing. Allele origin: germline.

Labcorp Genetics (formerly Invitae), Labcorp
Classification: Uncertain significance for Familial acute necrotizing encephalopathy. Last evaluated: 2022-02-25. Review status: criteria provided, single submitter. Criteria: Invitae Variant Classification Sherloc (09022015). Collection method: clinical testing. Allele origin: germline.
Comment: In summary, the available evidence is currently insufficient to determine the role of this variant in disease. Therefore, it has been classified as a Variant of Uncertain Significance. Algorithms developed to predict the effect of missense changes on protein structure and function (SIFT, PolyPhen-2, Align-GVGD) all suggest that this variant is likely to be disruptive. ClinVar contains an entry for this variant (Variation ID: 660110). This variant has not been reported in the literature in individuals affected with RANBP2-related conditions. This variant is present in population databases (rs773526624, gnomAD 0.03%). This sequence change replaces proline, which is neutral and non-polar, with leucine, which is neutral and non-polar, at codon 1505 of the RANBP2 protein (p.Pro1505Leu).